The following is an entry in ClinVar:

NM_024809.5(TCTN2):c.547C>T (p.Arg183Cys)

Gene: TCTN2 (tectonic family member 2; plus strand). Cytogenetic location: 12q24.31.
Variant type: single nucleotide variant.
Coding change: c.547C>T on transcript NM_024809.5 (MANE Select); coding-DNA position 547, C replaced by T.
Protein change: p.Arg183Cys; replaces arginine 183 with cysteine.
Molecular consequence: missense variant.
Genome position (GRCh38, 1-based): chr12:123,679,272, C>T. VCF-style: chr12-123679272-C-T. GRCh37 (hg19) VCF-style: chr12-124163819-C-T.
Other names: c.544C>T, p.Arg182Cys (NM_001143850.3); short protein forms R183C, R182C.
Identifiers: ClinVar variation 1436969 (VCV001436969.7), dbSNP rs774520912, ClinGen allele CA6860915.

ClinVar aggregate classification (germline): Uncertain significance. Review status: criteria provided, multiple submitters, no conflicts (2 of 4 stars). 2 submissions from 2 submitters: Uncertain significance (2). Last evaluated 2024-03-13.

Conditions:
Joubert syndrome 24 (JBTS24). Identifiers: Orphanet 475, MedGen C4084841, MONDO:0014724, OMIM 616654.
Meckel syndrome, type 8. Identifiers: Orphanet 564, MedGen C3836857, MONDO:0013482, OMIM 613885.
Joubert syndrome. Also called: CEREBELLOPARENCHYMAL DISORDER IV; JOUBERT-BOLTSHAUSER SYNDROME; Familial aplasia of the vermis. Identifiers: Orphanet 475, MedGen C5979921, MONDO:0018772.
Meckel-Gruber syndrome. Also called: DYSENCEPHALIA SPLANCHNOCYSTICA; GRUBER SYNDROME; Dysencephalia splachnocystica. Identifiers: Orphanet 564, MedGen C0265215, MONDO:0018921.

Allele frequency attached by ClinVar (database versions not stated): TOPMed 0.00001.
gnomAD v4.1: 13 of 1,613,954 alleles (0.00081%); highest among the groups gnomAD compares: East Asian, 0.0045%; no homozygotes.

Submissions (2):

Fulgent Genetics
Classification: Uncertain significance for Meckel syndrome, type 8; Joubert syndrome 24. Last evaluated: 2024-03-13. Review status: criteria provided, single submitter. Criteria: ACMG Guidelines, 2015. Collection method: clinical testing. Allele origin: germline.

Labcorp Genetics (formerly Invitae), Labcorp
Classification: Uncertain significance for Joubert syndrome; Meckel-Gruber syndrome. Last evaluated: 2022-07-29. Review status: criteria provided, single submitter. Criteria: Invitae Variant Classification Sherloc (09022015). Collection method: clinical testing. Allele origin: germline.
Comment: This sequence change replaces arginine, which is basic and polar, with cysteine, which is neutral and slightly polar, at codon 183 of the TCTN2 protein (p.Arg183Cys). This variant is present in population databases (rs774520912, gnomAD 0.003%). This variant has not been reported in the literature in individuals affected with TCTN2-related conditions. ClinVar contains an entry for this variant (Variation ID: 1436969). Algorithms developed to predict the effect of missense changes on protein structure and function are either unavailable or do not agree on the potential impact of this missense change (SIFT: "Deleterious"; PolyPhen-2: "Benign"; Align-GVGD: "Class C0"). In summary, the available evidence is currently insufficient to determine the role of this variant in disease. Therefore, it has been classified as a Variant of Uncertain Significance.